The following is an entry in ClinVar:

ClinVar aggregate classification (germline): Uncertain significance (1 of 4 stars; one submission).

Allele frequency attached by ClinVar (database versions not stated): gnomAD 0.00001; TOPMed 0.00002.
gnomAD v4.1: 4 of 1,614,074 alleles (0.00025%); highest among the groups gnomAD compares: African/African-American, 0.0027%; no homozygotes.

Submission:

Labcorp Genetics (formerly Invitae), Labcorp
Classification: Uncertain significance. Last evaluated: 2024-03-20. Review status: criteria provided, single submitter. Criteria: Invitae Variant Classification Sherloc (09022015). Collection method: clinical testing. Allele origin: germline.
Comment: This sequence change replaces alanine, which is neutral and non-polar, with valine, which is neutral and non-polar, at codon 379 of the TRAPPC9 protein (p.Ala379Val). This variant is present in population databases (no rsID available, gnomAD 0.01%). This variant has not been reported in the literature in individuals affected with TRAPPC9-related conditions. An algorithm developed to predict the effect of missense changes on protein structure and function (PolyPhen-2) suggests that this variant is likely to be tolerated. In summary, the available evidence is currently insufficient to determine the role of this variant in disease. Therefore, it has been classified as a Variant of Uncertain Significance.

NM_001160372.4(TRAPPC9):c.842C>T (p.Ala281Val)

Gene: TRAPPC9 (trafficking protein particle complex subunit 9; minus strand). Cytogenetic location: 8q24.3.
Variant type: single nucleotide variant.
Coding change: c.842C>T on transcript NM_001160372.4 (MANE Select); coding-DNA position 842, C replaced by T.
Protein change: p.Ala281Val; replaces alanine 281 with valine.
Molecular consequence: missense variant. On other transcripts: non-coding transcript variant (1).
Genome position (GRCh38, 1-based): chr8:140,435,129, G>A on the plus strand (C>T on the coding strand, the complement: TRAPPC9 is on the minus strand). VCF-style: chr8-140435129-G-A. GRCh37 (hg19) VCF-style: chr8-141445228-G-A.
Other names: c.842C>T, p.Ala281Val (NM_001321646.2, NM_001374683.1, NM_001374684.1 and 1 more transcripts); c.863C>T, p.Ala288Val (NM_001374682.1); short protein forms A288V, A281V.
Identifiers: ClinVar variation 2967671 (VCV002967671.3), dbSNP rs760487696, ClinGen allele CA372317166.